The following is an entry in ClinVar:

ClinVar aggregate classification (germline): Uncertain significance (1 of 4 stars; one submission).

Submission:

Labcorp Genetics (formerly Invitae), Labcorp
Classification: Uncertain significance. Last evaluated: 2024-08-14. Review status: criteria provided, single submitter. Criteria: Invitae Variant Classification Sherloc (09022015). Collection method: clinical testing. Allele origin: germline.
Comment: This sequence change replaces isoleucine, which is neutral and non-polar, with serine, which is neutral and polar, at codon 460 of the TCIRG1 protein (p.Ile460Ser). This variant is not present in population databases (gnomAD no frequency). This variant has not been reported in the literature in individuals affected with TCIRG1-related conditions. Invitae Evidence Modeling of protein sequence and biophysical properties (such as structural, functional, and spatial information, amino acid conservation, physicochemical variation, residue mobility, and thermodynamic stability) indicates that this missense variant is expected to disrupt TCIRG1 protein function with a positive predictive value of 80%. In summary, the available evidence is currently insufficient to determine the role of this variant in disease. Therefore, it has been classified as a Variant of Uncertain Significance.

NM_006019.4(TCIRG1):c.1379T>G (p.Ile460Ser)

Gene: TCIRG1 (T cell immune regulator 1, ATPase H+ transporting V0 subunit a3; plus strand). Cytogenetic location: 11q13.2.
Variant type: single nucleotide variant.
Coding change: c.1379T>G on transcript NM_006019.4 (MANE Select); coding-DNA position 1379, T replaced by G.
Protein change: p.Ile460Ser; replaces isoleucine 460 with serine.
Molecular consequence: missense variant.
Genome position (GRCh38, 1-based): chr11:68,047,720, T>G. VCF-style: chr11-68047720-T-G. GRCh37 (hg19) VCF-style: chr11-67815187-T-G.
Other names: c.485T>G, p.Ile162Ser (NM_001351059.2); c.731T>G, p.Ile244Ser (NM_006053.4); short protein forms I244S, I460S, I162S.
Identifiers: ClinVar variation 3662379 (VCV003662379.2).